The following is an entry in ClinVar:

NM_004360.5(CDH1):c.1840A>G (p.Ile614Val)

Gene: CDH1 (cadherin 1; plus strand). Cytogenetic location: 16q22.1.
Variant type: single nucleotide variant.
Coding change: c.1840A>G on transcript NM_004360.5 (MANE Select); coding-DNA position 1840, A replaced by G.
Protein change: p.Ile614Val; replaces isoleucine 614 with valine.
Molecular consequence: missense variant. On other transcripts: 5 prime UTR variant (1).
Genome position (GRCh38, 1-based): chr16:68,822,129, A>G. VCF-style: chr16-68822129-A-G. GRCh37 (hg19) VCF-style: chr16-68856032-A-G.
Other names: c.1840A>G (LRG_301t1); c.1657A>G, p.Ile553Val (NM_001317184.2); c.292A>G, p.Ile98Val (NM_001317185.2); c.-126A>G (NM_001317186.2); short protein forms I614V, I553V, I98V.
Identifiers: ClinVar variation 142943 (VCV000142943.20), dbSNP rs587782838, ClinGen allele CA169831.

ClinVar aggregate classification (germline): Conflicting classifications of pathogenicity. Review status: criteria provided, conflicting classifications (1 of 4 stars). 5 submissions from 5 submitters: Uncertain significance (4); Likely benign (1). Last evaluated 2025-03-14.

Conditions:
Hereditary cancer-predisposing syndrome. Also called: Tumor predisposition; Neoplastic Syndromes, Hereditary; Hereditary neoplastic syndrome; Hereditary Cancer Syndrome. Identifiers: Orphanet 140162, MedGen C0027672, MeSH D009386, MONDO:0015356.
Hereditary diffuse gastric adenocarcinoma (HDGC). Also called: DIFFUSE GASTRIC AND LOBULAR BREAST CANCER SYNDROME. Identifiers: Orphanet 26106, MedGen C1708349, MONDO:0007648, OMIM 137215.

Submissions (5):

Ambry Genetics
Classification: Likely benign for Hereditary cancer-predisposing syndrome. Last evaluated: 2025-03-14. Review status: criteria provided, single submitter. Criteria: Ambry Variant Classification Scheme 2023. Collection method: clinical testing. Allele origin: germline.

Labcorp Genetics (formerly Invitae), Labcorp
Classification: Uncertain significance for Hereditary diffuse gastric adenocarcinoma. Last evaluated: 2024-07-29. Review status: criteria provided, single submitter. Criteria: Invitae Variant Classification Sherloc (09022015). Collection method: clinical testing. Allele origin: germline.
Comment: This sequence change replaces isoleucine, which is neutral and non-polar, with valine, which is neutral and non-polar, at codon 614 of the CDH1 protein (p.Ile614Val). This variant is not present in population databases (gnomAD no frequency). This missense change has been observed in individual(s) with breast cancer (PMID: 29785153). ClinVar contains an entry for this variant (Variation ID: 142943). An algorithm developed to predict the effect of missense changes on protein structure and function (PolyPhen-2) suggests that this variant¬†is likely to be tolerated. In summary, the available evidence is currently insufficient to determine the role of this variant in disease. Therefore, it has been classified as a Variant of Uncertain Significance.

Quest Diagnostics Nichols Institute San Juan Capistrano
Classification: Uncertain significance. Last evaluated: 2023-01-10. Review status: criteria provided, single submitter. Criteria: Quest Diagnostics criteria. Collection method: clinical testing. Allele origin: unknown.
Comment: It has not been reported in large, multi-ethnic general populations. This variant was reported in one cancer-free woman over 70 years old (FLOSSIES). In the published literature, the variant has been reported in an individual with breast cancer (PMID: 29785153 (2018)). Analysis of this variant using bioinformatics tools for the prediction of the effect of amino acid changes on protein structure and function yielded predictions that this variant is benign. Based on the available information, we are unable to determine the clinical significance of this variant.

Color Diagnostics, LLC DBA Color Health
Classification: Uncertain significance for Hereditary cancer-predisposing syndrome. Last evaluated: 2021-09-15. Review status: criteria provided, single submitter. Criteria: ACMG Guidelines, 2015. Collection method: clinical testing. Allele origin: germline.
Comment: This missense variant replaces isoleucine with valine at codon 614 of the CDH1 protein. To our knowledge, functional studies have not been performed for this variant. This variant has been reported in an individual affected with breast cancer (PMID: 29785153). This variant has not been identified in the general population by the Genome Aggregation Database (gnomAD). The available evidence is insufficient to determine the role of this variant in disease conclusively. Therefore, this variant is classified as a Variant of Uncertain Significance.

GeneDx
Classification: Uncertain significance. Last evaluated: 2017-08-10. Review status: criteria provided, single submitter. Criteria: GeneDx Variant Classification (06012015). Collection method: clinical testing. Allele origin: germline. Affected: yes.
Comment: This variant is denoted CDH1 c.1840A>G at the cDNA level, p.Ile614Val (I614V) at the protein level, and results in the change of an Isoleucine to a Valine (ATC>GTC). This variant has not, to our knowledge, been published in the literature as pathogenic or benign. CDH1 Ile614Val was not observed in large population cohorts (Lek 2016, The 1000 Genomes Consortium 2015, NHLBI Exome Sequencing Project). Since Isoleucine and Valine share similar properties, this is considered a conservative amino acid substitution. CDH1 Ile614Val occurs at a position where amino acids with properties similar to Isoleucine are tolerated across species and is located in the Cadherin 5 domain (Uniprot). In silico analyses are inconsistent regarding the effect this variant may have on protein structure and function. Based on currently available evidence, it is unclear whether CDH1 Ile614Val is a pathogenic or benign variant. We consider it to be a variant of uncertain significance.

Literature cited by the submitters: PubMed 29785153 (cited by 4 submitters).